The following is an entry in ClinVar:

ClinVar aggregate classification (germline): Uncertain significance. Review status: criteria provided, multiple submitters, no conflicts (2 of 4 stars). 2 submissions from 2 submitters: Uncertain significance (2). Last evaluated 2023-10-01.

Conditions:
Retinal dystrophy. Also called: Inherited retinal dystrophy. Identifiers: Orphanet 71862, MedGen C0854723, MeSH D058499, MONDO:0019118, HP:0000556.

Allele frequency attached by ClinVar (database versions not stated): TOPMed 0.00015; 1000 Genomes Project 30x 0.00016; ESP Exome Variant Server 0.00016.
gnomAD v4.1: 50 of 1,613,316 alleles (0.0031%); highest among the groups gnomAD compares: East Asian, 0.04%; no homozygotes.

Submissions (2):

Dept Of Ophthalmology, Nagoya University
Classification: Uncertain significance for Retinal dystrophy. Last evaluated: 2023-10-01. Review status: criteria provided, single submitter. Criteria: Submitter's publication. Collection method: research. Allele origin: germline. Affected: yes.

Labcorp Genetics (formerly Invitae), Labcorp
Classification: Uncertain significance. Last evaluated: 2022-08-23. Review status: criteria provided, single submitter. Criteria: Invitae Variant Classification Sherloc (09022015). Collection method: clinical testing. Allele origin: germline.
Comment: This sequence change replaces valine, which is neutral and non-polar, with alanine, which is neutral and non-polar, at codon 521 of the KIAA1549 protein (p.Val521Ala). This variant is present in population databases (rs377033404, gnomAD 0.05%). This variant has not been reported in the literature in individuals affected with KIAA1549-related conditions. ClinVar contains an entry for this variant (Variation ID: 838664). Algorithms developed to predict the effect of missense changes on protein structure and function output the following: SIFT: "Tolerated"; PolyPhen-2: "Benign"; Align-GVGD: "Class C0". The alanine amino acid residue is found in multiple mammalian species, which suggests that this missense change does not adversely affect protein function. In summary, the available evidence is currently insufficient to determine the role of this variant in disease. Therefore, it has been classified as a Variant of Uncertain Significance.

NM_001164665.2(KIAA1549):c.1562T>C (p.Val521Ala)

Gene: KIAA1549 (KIAA1549; minus strand). Cytogenetic location: 7q34.
Variant type: single nucleotide variant.
Coding change: c.1562T>C on transcript NM_001164665.2 (MANE Select); coding-DNA position 1562, T replaced by C.
Protein change: p.Val521Ala; replaces valine 521 with alanine.
Molecular consequence: missense variant.
Genome position (GRCh38, 1-based): chr7:138,918,064, A>G on the plus strand (T>C on the coding strand, the complement: KIAA1549 is on the minus strand). VCF-style: chr7-138918064-A-G. GRCh37 (hg19) VCF-style: chr7-138602810-A-G.
Other names: c.1562T>C, p.Val521Ala (NM_020910.3); short protein forms V521A.
Identifiers: ClinVar variation 838664 (VCV000838664.9), dbSNP rs377033404, ClinGen allele CA4506690.